The following is an entry in ClinVar:

ClinVar aggregate classification (germline): Uncertain significance. Review status: criteria provided, multiple submitters, no conflicts (2 of 4 stars). 2 submissions from 2 submitters: Uncertain significance (2). Last evaluated 2026-04-23.

Conditions:
Inborn genetic diseases. Identifiers: MedGen C0950123, MeSH D030342.

Submissions (2):

Ambry Genetics
Classification: Uncertain significance for Inborn genetic diseases. Last evaluated: 2026-04-23. Review status: criteria provided, single submitter. Criteria: Ambry Variant Classification Scheme 2023. Collection method: clinical testing. Allele origin: germline.

Labcorp Genetics (formerly Invitae), Labcorp
Classification: Uncertain significance. Last evaluated: 2021-06-15. Review status: criteria provided, single submitter. Criteria: Invitae Variant Classification Sherloc (09022015). Collection method: clinical testing. Allele origin: germline.
Comment: This sequence change replaces phenylalanine with leucine at codon 2045 of the ASH1L protein (p.Phe2045Leu). The phenylalanine residue is moderately conserved and there is a small physicochemical difference between phenylalanine and leucine. This variant is not present in population databases (ExAC no frequency). This variant has not been reported in the literature in individuals with ASH1L-related conditions. Algorithms developed to predict the effect of missense changes on protein structure and function are either unavailable or do not agree on the potential impact of this missense change (SIFT: "Deleterious"; PolyPhen-2: "Probably Damaging"; Align-GVGD: "Class C0"). In summary, the available evidence is currently insufficient to determine the role of this variant in disease. Therefore, it has been classified as a Variant of Uncertain Significance.

NM_018489.3(ASH1L):c.6135C>G (p.Phe2045Leu)

Gene: ASH1L (ASH1 like histone lysine methyltransferase; minus strand). Cytogenetic location: 1q22.
Variant type: single nucleotide variant.
Coding change: c.6135C>G on transcript NM_018489.3 (MANE Select); coding-DNA position 6135, C replaced by G.
Protein change: p.Phe2045Leu; replaces phenylalanine 2045 with leucine.
Molecular consequence: missense variant.
Genome position (GRCh38, 1-based): chr1:155,380,085, G>C on the plus strand (C>G on the coding strand, the complement: ASH1L is on the minus strand). VCF-style: chr1-155380085-G-C. GRCh37 (hg19) VCF-style: chr1-155349876-G-C.
Other names: c.6150C>G, p.Phe2050Leu (NM_001366177.2); c.6135C>G (NM_018489.2); short protein forms F2045L, F2050L.
Identifiers: ClinVar variation 1401020 (VCV001401020.9), dbSNP rs2148443326, ClinGen allele CA342757972.